The following is an entry in ClinVar:

NM_000352.6(ABCC8):c.1562G>A (p.Arg521Gln)

Gene: ABCC8 (ATP binding cassette subfamily C member 8; minus strand). Cytogenetic location: 11p15.1.
Variant type: single nucleotide variant.
Coding change: c.1562G>A on transcript NM_000352.6 (MANE Select); coding-DNA position 1562, G replaced by A.
Protein change: p.Arg521Gln; replaces arginine 521 with glutamine.
Molecular consequence: missense variant. On other transcripts: non-coding transcript variant (1).
Genome position (GRCh38, 1-based): chr11:17,442,788, C>T on the plus strand (G>A on the coding strand, the complement: ABCC8 is on the minus strand). VCF-style: chr11-17442788-C-T. GRCh37 (hg19) VCF-style: chr11-17464335-C-T.
Other names: c.1562G>A, p.Arg521Gln (NM_001287174.3, NM_001351295.2); c.1559G>A, p.Arg520Gln (NM_001351296.2, NM_001351297.2); short protein forms R521Q, R520Q.
Identifiers: ClinVar variation 157683 (VCV000157683.18), dbSNP rs368114790, ClinGen allele CA171039.

ClinVar aggregate classification (germline): Uncertain significance. Review status: criteria provided, multiple submitters, no conflicts (2 of 4 stars). 10 submissions from 10 submitters: Uncertain significance (9). 1 of the submissions does not count toward it. Last evaluated 2026-04-01.

Conditions:
Diabetes mellitus, transient neonatal, 2 (TNDM2). Identifiers: Orphanet 99886, MedGen C1835887, MONDO:0012480, OMIM 610374. Disease mechanism: loss of function.
Hyperinsulinemic hypoglycemia, familial, 1 (HHF1). Also called: Persistent hyperinsulinemic hypoglycemia of infancy; HYPERINSULINISM, FAMILIAL, WITH PANCREATIC NESIDIOBLASTOSIS; HYPOGLYCEMIA, HYPERINSULINEMIC, OF INFANCY; NESIDIOBLASTOSIS OF PANCREAS; Persistent Hyperinsulinemia Hypoglycemia of Infancy. Identifiers: Orphanet 276575, Orphanet 276598, MedGen C2931832, MONDO:0009734, OMIM 256450.
Leucine-induced hypoglycemia (LIH). Also called: LEUCINE-SENSITIVE HYPOGLYCEMIA OF INFANCY. Identifiers: MedGen C0271714, MONDO:0009415, OMIM 240800.
Type 2 diabetes mellitus. Also called: Type II diabetes mellitus. Identifiers: MedGen C0011860, MeSH D003924, MONDO:0005148, OMIM 125853, HP:0005978.
Diabetes mellitus, permanent neonatal 3. Also called: ABCC8-Related Permanent Neonatal Diabetes Mellitus. Identifiers: MedGen C5394303, MONDO:0030088, OMIM 618857.
Diabetes mellitus. Also called: Diabetes mellitus (disease). Identifiers: MedGen C0011849, MONDO:0005015, HP:0000819.
Familial hyperinsulinism. Also called: Congenital hyperinsulinism. Identifiers: Orphanet 276525, MedGen C3888018, MONDO:0017182. Disease mechanism: loss of function.

Allele frequency attached by ClinVar (database versions not stated): ExAC 0.00010; gnomAD exomes 0.00010 and 0.00016; gnomAD 0.00011; ESP Exome Variant Server 0.00015; TOPMed 0.00015.

Submissions (10):

GeneDx
Classification: Uncertain significance. Last evaluated: 2026-04-01. Review status: criteria provided, single submitter. Criteria: GeneDx Variant Classification Process June 2021. Collection method: clinical testing. Allele origin: germline.
Comment: Identified in a patient with features of MODY who also had a pathogenic variant in the HNF1A gene (PMID: 33477506); Reported without a second ABCC8 variant in hyperinsulinism cohorts in published literature; however, patient-specific clinical information not provided (PMID: 22855730, 23275527, 32027066); In silico analysis suggests that this missense variant does not alter protein structure/function; This variant is associated with the following publications: (PMID: 34426522, 23275527, 30487145, 32027066, 33587123, 37432431, 22855730, 33477506, 39859454, 36836406)

Women's Health and Genetics/Laboratory Corporation of America, LabCorp
Classification: Uncertain significance. Last evaluated: 2024-06-07. Review status: criteria provided, single submitter. Criteria: LabCorp Variant Classification Summary - May 2015. Collection method: clinical testing. Allele origin: germline.
Comment: Variant summary: ABCC8 c.1562G>A (p.Arg521Gln) results in a conservative amino acid change located in the ABC transporter type 1, transmembrane domain (IPR011527) of the encoded protein sequence. Five of five in-silico tools predict a benign effect of the variant on protein function. The variant allele was found at a frequency of 0.0001 in 251160 control chromosomes, predominantly at a frequency of 0.00019 within the Non-Finnish European subpopulation in the gnomAD database. This frequency is not significantly higher than estimated for a pathogenic variant in ABCC8 causing Congenital Hyperinsulinism (0.0001 vs 0.0034), allowing no conclusion about variant significance. c.1562G>A has been reported in the literature in individuals affected with Hyperinsulinism without a family history (Calabria_2012, and Snider_2013). One publication listed this variant as medically actionable - likely pathogenic for AD hyperinsulinemia (Rego_2018), however, recent publications evaluated it as VUS (Franco_2019 and Maron_2021). These reports do not provide unequivocal conclusions about association of the variant with Congenital Hyperinsulinism. To our knowledge, no experimental evidence demonstrating an impact on protein function has been reported. The following publications have been ascertained in the context of this evaluation (PMID: 23275527, 22855730, 30487145, 32027066, 33587123, 33477506, 36836406). ClinVar contains an entry for this variant (Variation ID: 157683). Based on the evidence outlined above, the variant was classified as uncertain significance.

Fulgent Genetics
Classification: Uncertain significance for Type 2 diabetes mellitus; Leucine-induced hypoglycemia; Hyperinsulinemic hypoglycemia, familial, 1; Diabetes mellitus, transient neonatal, 2; Diabetes mellitus, permanent neonatal 3. Last evaluated: 2024-02-27. Review status: criteria provided, single submitter. Criteria: ACMG Guidelines, 2015. Collection method: clinical testing. Allele origin: germline.

Genetics and Molecular Pathology, SA Pathology
Classification: Uncertain significance for Hyperinsulinemic hypoglycemia, familial, 1. Last evaluated: 2022-12-13. Review status: criteria provided, single submitter. Criteria: ACMG Guidelines, 2015. Collection method: clinical testing. Allele origin: germline. Affected: yes.
Comment: The ABCC8 c.1562G>A variant is classified as VUS (PM1) The ABCC8 c.1562G>A variant is a single nucleotide change in exon 10/39 of the ABCC8 gene, which is predicted to change the amino acid arginine at position 521 in the protein to glutamine. This variant is located in the conserved ABC-membrane domain (PM1). The variant has been reported in dbSNP (rs368114790), in population databases (gnomAD 17/152162, 0 homs) and in the HGMD database as disease causing (CM1212138). It has been reported as Conflicting interpretations of pathogenicity by other diagnostic laboratories (ClinVar Variation ID: 157683). The variant has been reported in teh scientific literature in patients with hyperinsulinism and as a variant of uncertain significance (PMID:21378087, 22855730, 23275527, 3202066).

Institute for Clinical Genetics, University Hospital TU Dresden, University Hospital TU Dresden
Classification: Uncertain significance. Last evaluated: 2022-03-15. Review status: criteria provided, single submitter. Criteria: ACMG Guidelines, 2015. Collection method: clinical testing. Allele origin: germline.

MGZ Medical Genetics Center
Classification: Uncertain significance for Type 2 diabetes mellitus. Last evaluated: 2021-11-17. Review status: criteria provided, single submitter. Criteria: ACMG Guidelines, 2015. Collection method: clinical testing. Allele origin: germline. Affected: yes. Observed: 1 variant allele.
Comment: ACMG criteria applied: PS4_MOD, PM5, PM2_SUP

Athena Diagnostics
Classification: Uncertain significance. Last evaluated: 2019-08-27. Review status: criteria provided, single submitter. Criteria: Athena Diagnostics Criteria. Collection method: clinical testing. Allele origin: unknown.
Comment: This observation is not an independent occurrence and has been identified in the same individual by RCIGM, the other laboratory participating in the GEMINI study.

Institute of Human Genetics, University of Leipzig Medical Center
Classification: Uncertain significance for Type 2 diabetes mellitus. Last evaluated: 2019-01-01. Review status: criteria provided, single submitter. Criteria: ACMG Guidelines, 2015. Collection method: clinical testing. Allele origin: unknown. Affected: yes.
Comment: This variant was identified as compound heterozygous.

Genetic Services Laboratory, University of Chicago
Classification: Uncertain significance for Diabetes mellitus. Last evaluated: 2013-07-12. Review status: criteria provided, single submitter. Criteria: ACMG Guidelines, 2007. Collection method: clinical testing. Allele origin: germline. Inheritance: Autosomal unknown.

Snyder Lab, Genetics Department, Stanford University
Classification: Likely pathogenic for Familial hyperinsulinism. Last evaluated: 2017-01-01. Review status: flagged submission. Criteria: ACMG Guidelines, 2015. Collection method: research. Allele origin: germline. Not counted in ClinVar's aggregate classification.
ClinVar note: Reason: Outlier claim with insufficient supporting evidence

Literature cited by the submitters: PubMed 23275527 (cited by 3 submitters); PubMed 22855730 (cited by 3 submitters); PubMed 30487145 (cited by Women's Health and Genetics/Laboratory Corporation of America, LabCorp); PubMed 32027066 (cited by Women's Health and Genetics/Laboratory Corporation of America, LabCorp); PubMed 33587123 (cited by Women's Health and Genetics/Laboratory Corporation of America, LabCorp); PubMed 33477506 (cited by Women's Health and Genetics/Laboratory Corporation of America, LabCorp); PubMed 36836406 (cited by Women's Health and Genetics/Laboratory Corporation of America, LabCorp); PubMed 3202066 (cited by Genetics and Molecular Pathology, SA Pathology); PubMed 21378087 (cited by Genetics and Molecular Pathology, SA Pathology and Snyder Lab, Genetics Department, Stanford University).